The following is an entry in ClinVar:

NM_001098816.3(TENM4):c.67A>G (p.Thr23Ala)

Gene: TENM4 (teneurin transmembrane protein 4; minus strand). Cytogenetic location: 11q14.1.
Variant type: single nucleotide variant.
Coding change: c.67A>G on transcript NM_001098816.3 (MANE Select); coding-DNA position 67, A replaced by G.
Protein change: p.Thr23Ala; replaces threonine 23 with alanine.
Molecular consequence: missense variant.
Genome position (GRCh38, 1-based): chr11:79,069,878, T>C on the plus strand (A>G on the coding strand, the complement: TENM4 is on the minus strand). VCF-style: chr11-79069878-T-C. GRCh37 (hg19) VCF-style: chr11-78780923-T-C.
Other names: short protein forms T23A.
Identifiers: ClinVar variation 1711324 (VCV001711324.30), dbSNP rs1187780287, ClinGen allele CA382186092.

ClinVar aggregate classification (germline): Uncertain significance (1 of 4 stars; one submission).

Submission:

CeGaT Center for Human Genetics Tuebingen
Classification: Uncertain significance. Last evaluated: 2022-09-01. Review status: criteria provided, single submitter. Criteria: CeGaT Center For Human Genetics Tuebingen Variant Classification Criteria Version 2. Collection method: clinical testing. Allele origin: germline. Affected: yes. Observed: 1 variant allele.
Comment: TENM4: PM2